The following is an entry in ClinVar:

NM_080732.4(EGLN2):c.752G>A (p.Arg251Gln)

Genes: EGLN2 (egl-9 family hypoxia inducible factor 2; plus strand), RAB4B-EGLN2 (RAB4B-EGLN2 readthrough (NMD candidate); plus strand). Cytogenetic location: 19q13.2.
Variant type: single nucleotide variant.
Coding change: c.752G>A on transcript NM_080732.4 (MANE Select); coding-DNA position 752, G replaced by A.
Protein change: p.Arg251Gln; replaces arginine 251 with glutamine.
Molecular consequence: missense variant. On other transcripts: non-coding transcript variant (1).
Genome position (GRCh38, 1-based): chr19:40,801,324, G>A. VCF-style: chr19-40801324-G-A. GRCh37 (hg19) VCF-style: chr19-41307229-G-A.
Other names: c.752G>A, p.Arg251Gln (NM_053046.4); short protein forms R251Q.
Identifiers: ClinVar variation 1759369 (VCV001759369.3), dbSNP rs770688943, ClinGen allele CA9452298.
Genomic context (GRCh38, chr19:40,801,324, plus strand): 5'-CGCCGCGCAGCATCCGTGGGGACCAGATTGCCTGGGTGGAAGGCCATGAACCAGGCTGTC[G>A]AAGCATTGGTGCCCTCATGGCCCATGTGGACGCCGTCATCCGCCACTGCGCAGGGCGGCT-3'
Protein context (NP_542770.2, residues 241-261): AWVEGHEPGC[Arg251Gln]SIGALMAHVD

ClinVar aggregate classification (germline): Uncertain significance (1 of 4 stars; one submission).

Allele frequency attached by ClinVar (database versions not stated): ExAC 0.00001.
gnomAD v4.1: 5 of 1,612,686 alleles (0.00031%); highest among the groups gnomAD compares: Admixed American, 0.0033%; no homozygotes.

Submission:

Ambry Genetics
Classification: Uncertain significance. Last evaluated: 2024-07-20. Review status: criteria provided, single submitter. Criteria: Ambry Variant Classification Scheme 2023. Collection method: clinical testing. Allele origin: germline.
Comment: The p.R251Q variant (also known as c.752G>A), located in coding exon 1 of the EGLN2 gene, results from a G to A substitution at nucleotide position 752. The arginine at codon 251 is replaced by glutamine, an amino acid with highly similar properties. This amino acid position is conserved. In addition, this alteration is predicted to be tolerated by in silico analysis. Since supporting evidence is limited at this time, the clinical significance of this alteration remains unclear.